The following is an entry in ClinVar:

NM_001358921.2(COQ2):c.922G>A (p.Gly308Ser)

Gene: COQ2 (coenzyme Q2, polyprenyltransferase; minus strand). Cytogenetic location: 4q21.23.
Variant type: single nucleotide variant.
Coding change: c.922G>A on transcript NM_001358921.2 (MANE Select); coding-DNA position 922, G replaced by A.
Protein change: p.Gly308Ser; replaces glycine 308 with serine.
Molecular consequence: missense variant.
Genome position (GRCh38, 1-based): chr4:83,267,615, C>T on the plus strand (G>A on the coding strand, the complement: COQ2 is on the minus strand). VCF-style: chr4-83267615-C-T. GRCh37 (hg19) VCF-style: chr4-84188768-C-T.
Other names: c.1072G>A, p.Gly358Ser (NM_015697.9); short protein forms G308S, G358S.
Identifiers: ClinVar variation 3905432 (VCV003905432.10).

ClinVar aggregate classification (germline): Uncertain significance (1 of 4 stars; one submission).

gnomAD v4.1: 2 of 1,586,448 alleles (0.00013%); highest among the groups gnomAD compares: South Asian, 0.0012%; no homozygotes.

Submission:

CeGaT Center for Human Genetics Tuebingen
Classification: Uncertain significance. Last evaluated: 2025-06-01. Review status: criteria provided, single submitter. Criteria: CeGaT Center For Human Genetics Tuebingen Variant Classification Criteria Version 2. Collection method: clinical testing. Allele origin: germline. Affected: yes. Observed: 1 variant allele.
Comment: COQ2: PM2